The following is an entry in ClinVar:

ClinVar aggregate classification (germline): other (0 of 4 stars; one submission).

Conditions:
Familial colorectal cancer. Identifiers: MedGen CN280943, MONDO:0023113. Disease mechanism: loss of function.

Allele frequency attached by ClinVar (database versions not stated): 1000 Genomes Project 0.43351; gnomAD 0.38749 and 0.40022; TOPMed 0.40316; 1000 Genomes Project 30x 0.42645.
gnomAD v4.1: 60,988 of 151,928 alleles (40%); highest among the groups gnomAD compares: East Asian, 65%; 14,771 homozygotes.

Submission:

Systems Biology Platform Zhejiang California International NanoSystems Institute
Classification: other for Familial colorectal cancer. Review status: no assertion criteria provided. Collection method: not provided. Allele origin: unknown.
ClinVar note: Converted during submission from cancer to other.

NM_000038.6(APC):c.645+2356C>T

Gene: APC (APC regulator of WNT signaling pathway; plus strand). Cytogenetic location: 5q22.2.
Variant type: single nucleotide variant.
Coding change: c.645+2356C>T on transcript NM_000038.6 (MANE Select); 2356 bases into the intron after coding-DNA position 645, C replaced by T.
Molecular consequence: intron variant.
Genome position (GRCh38, 1-based): chr5:112,783,259, C>T. VCF-style: chr5-112783259-C-T. GRCh37 (hg19) VCF-style: chr5-112118956-C-T.
Other names: c.645+2356C>T (NM_001354895.2, NM_001127510.3, NM_001354896.2 and 2 more transcripts); c.675+2356C>T (NM_001354897.2, NM_001354902.2, NM_001127511.3); c.570+2356C>T (NM_001354898.2, NM_001354904.2); c.-391+2356C>T (NM_001354906.2); c.468+2356C>T (NM_001354900.2, NM_001354901.2, NM_001354905.2).
Identifiers: ClinVar variation 82950 (VCV000082950.2), dbSNP rs2431512, ClinGen allele CA011300.
Genomic context (GRCh38, chr5:112,783,259, plus strand): 5'-CCCTGAGGAGAGGTTAACTTGAGTTCTTTCTTGGCCATTTTGTTCACATAAGCGCTGATA[C>T]TGTCATTCTTACTTTATTCTGGAATGCCGTATCCTTCATTTTGGTAGTTAATATTCTAAG-3'